The following is an entry in ClinVar:

NM_152467.5(KLHL10):c.1009T>C (p.Leu337=)

Gene: KLHL10 (kelch like family member 10; plus strand). Cytogenetic location: 17q21.2.
Variant type: single nucleotide variant.
Coding change: c.1009T>C on transcript NM_152467.5 (MANE Select); coding-DNA position 1009, T replaced by C.
Protein change: p.Leu337=; no amino-acid change (leucine 337 retained).
Molecular consequence: synonymous variant.
Genome position (GRCh38, 1-based): chr17:41,845,450, T>C. VCF-style: chr17-41845450-T-C. GRCh37 (hg19) VCF-style: chr17-40001702-T-C.
Other names: c.1009T>C, p.Leu337= (NM_001329595.1); c.745T>C, p.Leu249= (NM_001329596.2).
Identifiers: ClinVar variation 3053101 (VCV003053101.3), dbSNP rs185984794, ClinGen allele CA8567308.

ClinVar aggregate classification (germline): Likely benign. Review status: criteria provided, single submitter (1 of 4 stars). 2 submissions from 2 submitters: Likely benign (1). 1 of the submissions does not count toward it. Last evaluated 2024-11-01.

Conditions:
KLHL10-related disorder. Also called: KLHL10-related condition.

Allele frequency attached by ClinVar (database versions not stated): gnomAD exomes 0.00004; TOPMed 0.00013; gnomAD 0.00015; 1000 Genomes Project 30x 0.00062; 1000 Genomes Project 0.00080.
gnomAD v4.1: 120 of 1,614,212 alleles (0.0074%); highest among the groups gnomAD compares: East Asian, 0.15%; no homozygotes.

Submissions (2):

Blueprint Genetics
Classification: Likely benign. Last evaluated: 2024-11-01. Review status: criteria provided, single submitter. Criteria: ACMG Guidelines, 2015. Collection method: clinical testing. Allele origin: germline.

PreventionGenetics, part of Exact Sciences
Classification: Likely benign for KLHL10-related condition. Last evaluated: 2019-03-20. Review status: no assertion criteria provided. Collection method: clinical testing. Allele origin: germline. Not counted in ClinVar's aggregate classification.
Comment: This variant is classified as likely benign based on ACMG/AMP sequence variant interpretation guidelines (Richards et al. 2015 PMID: 25741868, with internal and published modifications).